The following is an entry in ClinVar:

ClinVar aggregate classification (germline): Benign/Likely benign. Review status: criteria provided, multiple submitters, no conflicts (2 of 4 stars). 4 submissions from 4 submitters: Benign (2); Likely benign (1). 1 of the submissions does not count toward it. Last evaluated 2025-12-01.

Conditions:
MED13-related disorder. Also called: MED13-related condition.

Allele frequency attached by ClinVar (database versions not stated): gnomAD exomes 0.00111; ExAC 0.00115; ESP Exome Variant Server 0.00328; gnomAD 0.00387 and 0.00413; TOPMed 0.00417; 1000 Genomes Project 0.00419; 1000 Genomes Project 30x 0.00468.
gnomAD v4.1: 1,154 of 1,574,976 alleles (0.073%); highest among the groups gnomAD compares: African/African-American, 1.4%; 10 homozygotes.

Submissions (4):

CeGaT Center for Human Genetics Tuebingen
Classification: Likely benign. Last evaluated: 2025-12-01. Review status: criteria provided, single submitter. Criteria: CeGaT Center For Human Genetics Tuebingen Variant Classification Criteria Version 2. Collection method: clinical testing. Allele origin: germline. Affected: yes. Observed: 2 variant alleles.
Comment: MED13: BP4, BP7, BS1

Labcorp Genetics (formerly Invitae), Labcorp
Classification: Benign. Last evaluated: 2019-12-31. Review status: criteria provided, single submitter. Criteria: Invitae Variant Classification Sherloc (09022015). Collection method: clinical testing. Allele origin: germline.

Breakthrough Genomics
Classification: Benign. Review status: criteria provided, single submitter. Criteria: ACMG Guidelines, 2015. Collection method: not provided. Allele origin: germline. Inheritance: Autosomal dominant inheritance. Affected: yes.

PreventionGenetics, part of Exact Sciences
Classification: Benign for MED13-related condition. Last evaluated: 2023-12-18. Review status: no assertion criteria provided. Collection method: clinical testing. Allele origin: germline. Not counted in ClinVar's aggregate classification.
Comment: This variant is classified as benign based on ACMG/AMP sequence variant interpretation guidelines (Richards et al. 2015 PMID: 25741868, with internal and published modifications).

NM_005121.3(MED13):c.5820G>A (p.Thr1940=)

Gene: MED13 (mediator complex subunit 13; minus strand). Cytogenetic location: 17q23.2.
Variant type: single nucleotide variant.
Coding change: c.5820G>A on transcript NM_005121.3 (MANE Select); coding-DNA position 5820, G replaced by A.
Protein change: p.Thr1940=; no amino-acid change (threonine 1940 retained).
Molecular consequence: synonymous variant.
Genome position (GRCh38, 1-based): chr17:61,955,530, C>T on the plus strand (G>A on the coding strand, the complement: MED13 is on the minus strand). VCF-style: chr17-61955530-C-T. GRCh37 (hg19) VCF-style: chr17-60032891-C-T.
Identifiers: ClinVar variation 768903 (VCV000768903.15), dbSNP rs59950875, ClinGen allele CA8692046.